The following is an entry in ClinVar:

ClinVar aggregate classification (germline): Uncertain significance (1 of 4 stars; one submission).

Submission:

GeneDx
Classification: Uncertain significance. Last evaluated: 2023-11-01. Review status: criteria provided, single submitter. Criteria: GeneDx Variant Classification Process June 2021. Collection method: clinical testing. Allele origin: germline. Affected: yes.
Comment: Not observed at significant frequency in large population cohorts (gnomAD); In silico analysis supports that this missense variant does not alter protein structure/function; Has not been previously published as pathogenic or benign to our knowledge

NM_014727.3(KMT2B):c.1405A>G (p.Arg469Gly)

Gene: KMT2B (lysine methyltransferase 2B; plus strand). Cytogenetic location: 19q13.12.
Variant type: single nucleotide variant.
Coding change: c.1405A>G on transcript NM_014727.3 (MANE Select); coding-DNA position 1405, A replaced by G.
Protein change: p.Arg469Gly; replaces arginine 469 with glycine.
Molecular consequence: missense variant.
Genome position (GRCh38, 1-based): chr19:35,720,752, A>G. VCF-style: chr19-35720752-A-G. GRCh37 (hg19) VCF-style: chr19-36211654-A-G.
Other names: short protein forms R469G.
Identifiers: ClinVar variation 3363765 (VCV003363765.1).